The following is an entry in ClinVar:

NM_000554.6(CRX):c.362C>T (p.Ala121Val)

Gene: CRX (cone-rod homeobox; plus strand). Cytogenetic location: 19q13.33.
Variant type: single nucleotide variant.
Coding change: c.362C>T on transcript NM_000554.6 (MANE Select); coding-DNA position 362, C replaced by T.
Protein change: p.Ala121Val; replaces alanine 121 with valine.
Molecular consequence: missense variant.
Genome position (GRCh38, 1-based): chr19:47,839,429, C>T. VCF-style: chr19-47839429-C-T. GRCh37 (hg19) VCF-style: chr19-48342686-C-T.
Other names: short protein forms A121V.
Identifiers: ClinVar variation 2138313 (VCV002138313.5), dbSNP rs371847743, ClinGen allele CA9544475.

ClinVar aggregate classification (germline): Uncertain significance. Review status: criteria provided, multiple submitters, no conflicts (2 of 4 stars). 2 submissions from 2 submitters: Uncertain significance (2). Last evaluated 2026-01-05.

Conditions:
Cone-rod dystrophy 2 (CORD2). Also called: CONE-ROD RETINAL DYSTROPHY; Cone-rod retinal dystrophy 2. Identifiers: Orphanet 1872, MedGen C3489532, MONDO:0007362, OMIM 120970.
Leber congenital amaurosis 7 (LCA7). Identifiers: Orphanet 65, MedGen C3151192, MONDO:0013449, OMIM 613829.

Allele frequency attached by ClinVar (database versions not stated): TOPMed below 0.00001; ExAC 0.00001.
gnomAD v4.1: 16 of 1,613,732 alleles (0.00099%); highest among the groups gnomAD compares: East Asian, 0.0089%; no homozygotes.

Submissions (2):

Labcorp Genetics (formerly Invitae), Labcorp
Classification: Uncertain significance for Cone-rod dystrophy 2; Leber congenital amaurosis 7. Last evaluated: 2026-01-05. Review status: criteria provided, single submitter. Criteria: Invitae Variant Classification Sherloc (09022015). Collection method: clinical testing. Allele origin: germline.
Comment: This sequence change replaces alanine, which is neutral and non-polar, with valine, which is neutral and non-polar, at codon 121 of the CRX protein (p.Ala121Val). This variant is present in population databases (rs371847743, gnomAD 0.01%). This missense change has been observed in individual(s) with cone-rod dystrophy (PMID: 22960069). ClinVar contains an entry for this variant (Variation ID: 2138313). Invitae Evidence Modeling of protein sequence and biophysical properties (such as structural, functional, and spatial information, amino acid conservation, physicochemical variation, residue mobility, and thermodynamic stability) indicates that this missense variant is not expected to disrupt CRX protein function with a negative predictive value of 95%. Algorithms developed to predict the effect of sequence changes on RNA splicing suggest that this variant may create or strengthen a splice site. In summary, the available evidence is currently insufficient to determine the role of this variant in disease. Therefore, it has been classified as a Variant of Uncertain Significance.

Blueprint Genetics
Classification: Uncertain significance. Last evaluated: 2023-05-09. Review status: criteria provided, single submitter. Criteria: ACMG Guidelines, 2015. Collection method: clinical testing. Allele origin: germline.

Literature cited by the submitters: PubMed 22960069 (cited by Labcorp Genetics (formerly Invitae), Labcorp).